The following is an entry in ClinVar:

NM_152490.5(B3GALNT2):c.91G>A (p.Ala31Thr)

Gene: B3GALNT2 (beta-1,3-N-acetylgalactosaminyltransferase 2; minus strand). Cytogenetic location: 1q42.3.
Variant type: single nucleotide variant.
Coding change: c.91G>A on transcript NM_152490.5 (MANE Select); coding-DNA position 91, G replaced by A.
Protein change: p.Ala31Thr; replaces alanine 31 with threonine.
Molecular consequence: missense variant.
Genome position (GRCh38, 1-based): chr1:235,504,162, C>T on the plus strand (G>A on the coding strand, the complement: B3GALNT2 is on the minus strand). VCF-style: chr1-235504162-C-T. GRCh37 (hg19) VCF-style: chr1-235667462-C-T.
Other names: c.91G>A, p.Ala31Thr (NM_001277155.3); short protein forms A31T.
Identifiers: ClinVar variation 1008826 (VCV001008826.5), dbSNP rs1685723778, ClinGen allele CA344936589.

ClinVar aggregate classification (germline): Uncertain significance (1 of 4 stars; one submission).

Conditions:
Muscular dystrophy-dystroglycanopathy (congenital with brain and eye anomalies), type a, 11 (MDDGA11). Also called: Muscular dystrophy-dystroglycanopathy (congenital with brain and eye anomalies, type A, 11; WALKER-WARBURG SYNDROME OR MUSCLE-EYE-BRAIN DISEASE, B3GALNT2-RELATED; Congenital muscular dystrophy-dystroglycanopathy with brain and eye anomalies, type A11. Identifiers: Orphanet 588, Orphanet 899, MedGen C3554638, MONDO:0014071, OMIM 615181.

Submission:

Labcorp Genetics (formerly Invitae), Labcorp
Classification: Uncertain significance for Muscular dystrophy-dystroglycanopathy (congenital with brain and eye anomalies), type a, 11. Last evaluated: 2020-10-15. Review status: criteria provided, single submitter. Criteria: Invitae Variant Classification Sherloc (09022015). Collection method: clinical testing. Allele origin: germline.
Comment: This variant has not been reported in the literature in individuals with B3GALNT2-related conditions. In summary, the available evidence is currently insufficient to determine the role of this variant in disease. Therefore, it has been classified as a Variant of Uncertain Significance. Algorithms developed to predict the effect of missense changes on protein structure and function (SIFT, PolyPhen-2, Align-GVGD) all suggest that this variant is likely to be tolerated, but these predictions have not been confirmed by published functional studies and their clinical significance is uncertain. The frequency data for this variant in the population databases is considered unreliable, as metrics indicate insufficient coverage at this position in the ExAC database. This sequence change replaces alanine with threonine at codon 31 of the B3GALNT2 protein (p.Ala31Thr). The alanine residue is weakly conserved and there is a small physicochemical difference between alanine and threonine.